The following is an entry in ClinVar:

NM_012179.4(FBXO7):c.1386T>G (p.Ser462Arg)

Gene: FBXO7 (F-box protein 7; plus strand). Cytogenetic location: 22q12.3.
Variant type: single nucleotide variant.
Coding change: c.1386T>G on transcript NM_012179.4 (MANE Select); coding-DNA position 1386, T replaced by G.
Protein change: p.Ser462Arg; replaces serine 462 with arginine.
Molecular consequence: missense variant.
Genome position (GRCh38, 1-based): chr22:32,498,347, T>G. VCF-style: chr22-32498347-T-G. GRCh37 (hg19) VCF-style: chr22-32894334-T-G.
Other names: c.1149T>G, p.Ser383Arg (NM_001033024.2); c.1044T>G, p.Ser348Arg (NM_001257990.2); short protein forms S383R, S462R, S348R.
Identifiers: ClinVar variation 1503061 (VCV001503061.4), dbSNP rs1837515279, ClinGen allele CA411335912.
Genomic context (GRCh38, chr22:32,498,347, plus strand): 5'-AATTATCGGGGGTGAATATGACCAAAGACCAACACTTCCCTATGTTGGAGACCCAATCAG[T>G]TCACTCATTCCTGGTCCTGGGGAGACGCCCAGCCAGTTTCCTCCACTGAGACCACGCTTT-3'
Protein context (NP_036311.3, residues 452-472): PTLPYVGDPI[Ser462Arg]SLIPGPGETP

ClinVar aggregate classification (germline): Uncertain significance (1 of 4 stars; one submission).

Conditions:
Parkinsonian-pyramidal syndrome. Also called: PARKINSON DISEASE 15, AUTOSOMAL RECESSIVE EARLY-ONSET; PALLIDOPYRAMIDAL SYNDROME; PARKINSON DISEASE 15, AUTOSOMAL RECESSIVE. Identifiers: Orphanet 171695, MedGen C1850100, MONDO:0009830, OMIM 260300.

Allele frequency attached by ClinVar (database versions not stated): TOPMed below 0.00001; gnomAD exomes 0.00001.
gnomAD v4.1: 5 of 1,614,180 alleles (0.00031%); highest among the groups gnomAD compares: Admixed American, 0.0017%; no homozygotes.

Submission:

Labcorp Genetics (formerly Invitae), Labcorp
Classification: Uncertain significance for Parkinsonian-pyramidal syndrome. Last evaluated: 2025-04-17. Review status: criteria provided, single submitter. Criteria: Invitae Variant Classification Sherloc (09022015). Collection method: clinical testing. Allele origin: germline.
Comment: This sequence change replaces serine, which is neutral and polar, with arginine, which is basic and polar, at codon 462 of the FBXO7 protein (p.Ser462Arg). This variant is not present in population databases (gnomAD no frequency). This variant has not been reported in the literature in individuals affected with FBXO7-related conditions. ClinVar contains an entry for this variant (Variation ID: 1503061). Invitae Evidence Modeling of protein sequence and biophysical properties (such as structural, functional, and spatial information, amino acid conservation, physicochemical variation, residue mobility, and thermodynamic stability) indicates that this missense variant is not expected to disrupt FBXO7 protein function with a negative predictive value of 80%. In summary, the available evidence is currently insufficient to determine the role of this variant in disease. Therefore, it has been classified as a Variant of Uncertain Significance.